The following is an entry in ClinVar:

ClinVar aggregate classification (germline): Uncertain significance (1 of 4 stars; one submission).

Conditions:
Primary familial hypertrophic cardiomyopathy (HCM). Identifiers: Orphanet 99739, MedGen C0949658, MeSH D024741, MONDO:0024573. Inheritance: Various modes of inheritance.

Allele frequency attached by ClinVar (database versions not stated): gnomAD exomes below 0.00001; TOPMed below 0.00001.

Submission:

Labcorp Genetics (formerly Invitae), Labcorp
Classification: Uncertain significance for Primary familial hypertrophic cardiomyopathy. Last evaluated: 2019-11-25. Review status: criteria provided, single submitter. Criteria: Invitae Variant Classification Sherloc (09022015). Collection method: clinical testing. Allele origin: germline.
Comment: Algorithms developed to predict the effect of missense changes on protein structure and function are either unavailable or do not agree on the potential impact of this missense change (SIFT: "Deleterious"; PolyPhen-2: "Possibly Damaging"; Align-GVGD: "Class C0"). In summary, the available evidence is currently insufficient to determine the role of this variant in disease. Therefore, it has been classified as a Variant of Uncertain Significance. This variant has not been reported in the literature in individuals with ILK-related conditions. This variant is not present in population databases (ExAC no frequency). This sequence change replaces aspartic acid with histidine at codon 3 of the ILK protein (p.Asp3His). The aspartic acid residue is highly conserved and there is a moderate physicochemical difference between aspartic acid and histidine.

NM_004517.4(ILK):c.7G>C (p.Asp3His)

Genes: ILK (integrin linked kinase; plus strand), LOC130005201 (ATAC-STARR-seq lymphoblastoid active region 4345; plus strand). Cytogenetic location: 11p15.4.
Variant type: single nucleotide variant.
Coding change: c.7G>C on transcript NM_004517.4 (MANE Select); coding-DNA position 7, G replaced by C.
Protein change: p.Asp3His; replaces aspartic acid 3 with histidine.
Molecular consequence: missense variant. On other transcripts: 5 prime UTR variant (1).
Genome position (GRCh38, 1-based): chr11:6,604,278, G>C. VCF-style: chr11-6604278-G-C. GRCh37 (hg19) VCF-style: chr11-6625508-G-C.
Other names: c.7G>C, p.Asp3His (NM_001014794.3, NM_001014795.3, NM_001278441.2); c.-230G>C (NM_001278442.2); short protein forms D3H.
Identifiers: ClinVar variation 854224 (VCV000854224.10), dbSNP rs1342682020, ClinGen allele CA379451685.